The following is an entry in ClinVar:

NM_001177316.2(SLC34A3):c.368T>C (p.Val123Ala)

Gene: SLC34A3 (solute carrier family 34 member 3; plus strand). Cytogenetic location: 9q34.3.
Variant type: single nucleotide variant.
Coding change: c.368T>C on transcript NM_001177316.2 (MANE Select); coding-DNA position 368, T replaced by C.
Protein change: p.Val123Ala; replaces valine 123 with alanine.
Molecular consequence: missense variant.
Genome position (GRCh38, 1-based): chr9:137,232,847, T>C. VCF-style: chr9-137232847-T-C. GRCh37 (hg19) VCF-style: chr9-140127299-T-C.
Other names: c.368T>C, p.Val123Ala (NM_001177317.2, NM_080877.3); short protein forms V123A.
Identifiers: ClinVar variation 4688596 (VCV004688596.1).

ClinVar aggregate classification (germline): Uncertain significance (1 of 4 stars; one submission).

Submission:

Women's Health and Genetics/Laboratory Corporation of America, LabCorp
Classification: Uncertain significance. Last evaluated: 2025-12-03. Review status: criteria provided, single submitter. Criteria: LabCorp Variant Classification Summary - May 2015. Collection method: clinical testing. Allele origin: germline.
Comment: Variant summary: SLC34A3 c.368T>C (p.Val123Ala) results in a non-conservative amino acid change in the encoded protein sequence. Algorithms developed to predict the effect of missense changes on protein structure and function all suggest that this variant is likely to be disruptive. The variant was absent in 249210 control chromosomes. The available data on variant occurrences in the general population are insufficient to allow any conclusion about variant significance. To our knowledge, no occurrence of c.368T>C in individuals affected with SLC34A3-related conditions and no experimental evidence demonstrating its impact on protein function have been reported. No submitters have cited clinical-significance assessments for this variant to ClinVar. Based on the evidence outlined above, the variant was classified as uncertain significance.